The following is an entry in ClinVar:

NM_000135.4(FANCA):c.3064C>T (p.Gln1022Ter)

Gene: FANCA (FA complementation group A; minus strand). Cytogenetic location: 16q24.3.
Variant type: single nucleotide variant.
Coding change: c.3064C>T on transcript NM_000135.4 (MANE Select); coding-DNA position 3064, C replaced by T.
Protein change: p.Gln1022Ter; replaces glutamine 1022 with a stop codon.
Molecular consequence: nonsense.
Genome position (GRCh38, 1-based): chr16:89,752,140, G>A on the plus strand (C>T on the coding strand, the complement: FANCA is on the minus strand). VCF-style: chr16-89752140-G-A. GRCh37 (hg19) VCF-style: chr16-89818548-G-A.
Other names: c.3064C>T, p.Gln1022Ter (NM_001286167.3); short protein forms Q1022*.
Identifiers: ClinVar variation 1350875 (VCV001350875.10), dbSNP rs2143163267, ClinGen allele CA397425895.
Genomic context (GRCh38, chr16:89,752,140, plus strand): 5'-TAATAGCACGCGGCTTAAATGAAGTGAATGCACTGAGTTGTGGCACCCTCAAACTCACCT[G>A]CAATCTGGAAATAATATCCTCATTTCCTGTGCGGCCACCAAAGACCAAATCAGAATTTTC-3'

ClinVar aggregate classification (germline): Pathogenic. Review status: criteria provided, multiple submitters, no conflicts (2 of 4 stars). 3 submissions from 3 submitters: Pathogenic (3). Last evaluated 2025-06-06.

Conditions:
Fanconi anemia (FA). Also called: Fanconi's anemia. Identifiers: Orphanet 84, MedGen C0015625, MeSH D005199, MONDO:0019391.
Fanconi anemia complementation group A (FANCA). Also called: FANCA-Related Fanconi Anemia; Fanconi anemia, group A. Identifiers: Orphanet 84, MedGen C3469521, MONDO:0009215, OMIM 227650.

gnomAD v4.1: 3 of 1,613,798 alleles (0.00019%); highest among the groups gnomAD compares: Admixed American, 0.0017%; no homozygotes.

Submissions (3):

Myriad Genetics, Inc.
Classification: Pathogenic for Fanconi anemia complementation group A. Last evaluated: 2025-06-06. Review status: criteria provided, single submitter. Criteria: Myriad Autosomal Dominant, Autosomal Recessive and X-Linked Classification Criteria (2023). Collection method: clinical testing. Allele origin: unknown.
Comment: NM_000135.2(FANCA):c.3064C>T(Q1022*) is a nonsense variant classified as pathogenic in the context of Fanconi anemia complementation group A. Q1022* has been observed in cases with relevant disease (PMID: 29098742, 37865086). Relevant functional assessments of this variant are not available in the literature. Q1022* has not been observed in referenced population frequency databases. In summary, NM_000135.2(FANCA):c.3064C>T(Q1022*) is a nonsense variant in a gene where loss of function is a known mechanism of disease, is predicted to disrupt protein function, and has been observed more frequently in cases with the relevant disease than in healthy populations. Please note: this variant was assessed in the context of healthy population screening.

Labcorp Genetics (formerly Invitae), Labcorp
Classification: Pathogenic for Fanconi anemia. Last evaluated: 2025-05-12. Review status: criteria provided, single submitter. Criteria: Invitae Variant Classification Sherloc (09022015). Collection method: clinical testing. Allele origin: germline.
Comment: This sequence change creates a premature translational stop signal (p.Gln1022*) in the FANCA gene. It is expected to result in an absent or disrupted protein product. Loss-of-function variants in FANCA are known to be pathogenic (PMID: 19367192). This variant is not present in population databases (gnomAD no frequency). This premature translational stop signal has been observed in individual(s) with clinical features of Fanconi anemia (PMID: 29098742). ClinVar contains an entry for this variant (Variation ID: 1350875). For these reasons, this variant has been classified as Pathogenic.

Fulgent Genetics
Classification: Pathogenic for Fanconi anemia complementation group A. Last evaluated: 2024-03-28. Review status: criteria provided, single submitter. Criteria: ACMG Guidelines, 2015. Collection method: clinical testing. Allele origin: germline.

Literature cited by the submitters: PubMed 29098742 (cited by Myriad Genetics, Inc. and Labcorp Genetics (formerly Invitae), Labcorp); PubMed 37865086 (cited by Myriad Genetics, Inc.); PubMed 19367192 (cited by Labcorp Genetics (formerly Invitae), Labcorp).